The following is an entry in ClinVar:

ClinVar aggregate classification (germline): Pathogenic/Likely pathogenic. Review status: criteria provided, multiple submitters, no conflicts (2 of 4 stars). 4 submissions from 4 submitters: Pathogenic (2); Likely pathogenic (2). Last evaluated 2026-04-21.

Conditions:
SAG-related disorder. Also called: SAG-related disorders; SAG-related condition.

Allele frequency attached by ClinVar (database versions not stated): gnomAD exomes 0.00004 and 0.00010; 1000 Genomes Project 30x 0.00016; 1000 Genomes Project 0.00020; ExAC 0.00022; ESP Exome Variant Server 0.00047; gnomAD 0.00047 and 0.00051; TOPMed 0.00048.
gnomAD v4.1: 128 of 1,583,786 alleles (0.0081%); highest among the groups gnomAD compares: African/African-American, 0.15%; no homozygotes.

Submissions (4):

PreventionGenetics, part of Exact Sciences
Classification: Likely pathogenic for SAG-related condition. Last evaluated: 2026-04-21. Review status: criteria provided, single submitter. Criteria: ACMG Guidelines, 2015. Collection method: clinical testing. Allele origin: germline.
Comment: The SAG c.182-2A>G variant is predicted to disrupt the AG splice acceptor site and interfere with normal splicing. This variant has been reported in the homozygous state in individuals with inherited retinal disease (Table S1, Lin et al. 2024. PubMed ID: 38219857). This variant is present in 0.17% of alleles in individuals of African descent in gnomAD. Variants that disrupt the consensus splice acceptor site in SAG are an established mechanism of disease. This variant is interpreted as likely pathogenic for autosomal recessive disease.

Dasa
Classification: Pathogenic. Last evaluated: 2026-02-24. Review status: criteria provided, single submitter. Criteria: DASA Assertion Criteria. Collection method: clinical testing. Allele origin: germline.
Comment: NM_000541.5(SAG):c.182-2A>G introduces a premature termination codon predicted to result in loss of normal protein function. Loss-of-function is an established mechanism of disease for this gene. This variant results in the same amino acid change as a previously established pathogenic variant. The variant is present at low frequency in population datasets. Based on the available data, this variant is classified as pathogenic.

Labcorp Genetics (formerly Invitae), Labcorp
Classification: Likely pathogenic. Last evaluated: 2025-07-30. Review status: criteria provided, single submitter. Criteria: Invitae Variant Classification Sherloc (09022015). Collection method: clinical testing. Allele origin: germline.
Comment: This sequence change affects an acceptor splice site in intron 4 of the SAG gene. It is expected to disrupt RNA splicing. Variants that disrupt the donor or acceptor splice site typically lead to a loss of protein function (PMID: 16199547), and loss-of-function variants in SAG are known to be pathogenic (PMID: 9452120, 15234147, 22665972). This variant is present in population databases (rs201086679, gnomAD 0.2%). Disruption of this splice site has been observed in individual(s) with SAG-related conditions (PMID: 38219857). ClinVar contains an entry for this variant (Variation ID: 851115). Algorithms developed to predict the effect of sequence changes on RNA splicing suggest that this variant may disrupt the consensus splice site. In summary, the currently available evidence indicates that the variant is pathogenic, but additional data are needed to prove that conclusively. Therefore, this variant has been classified as Likely Pathogenic.

Blueprint Genetics
Classification: Pathogenic for SAG-related disorders. Last evaluated: 2022-10-10. Review status: criteria provided, single submitter. Criteria: ACMG Guidelines, 2015. Collection method: clinical testing. Allele origin: germline. Affected: yes. Observed: 5 variant alleles.

Literature cited by the submitters: PubMed 16199547 (cited by Labcorp Genetics (formerly Invitae), Labcorp); PubMed 9452120 (cited by Labcorp Genetics (formerly Invitae), Labcorp); PubMed 15234147 (cited by Labcorp Genetics (formerly Invitae), Labcorp); PubMed 22665972 (cited by Labcorp Genetics (formerly Invitae), Labcorp); PubMed 38219857 (cited by Labcorp Genetics (formerly Invitae), Labcorp).

NM_000541.5(SAG):c.182-2A>G

Gene: SAG (S-antigen visual arrestin; plus strand). Cytogenetic location: 2q37.1.
Variant type: single nucleotide variant.
Coding change: c.182-2A>G on transcript NM_000541.5 (MANE Select); the canonical splice acceptor site of the intron before coding-DNA position 182, A replaced by G.
Molecular consequence: splice acceptor variant.
Genome position (GRCh38, 1-based): chr2:233,320,628, A>G. VCF-style: chr2-233320628-A-G. GRCh37 (hg19) VCF-style: chr2-234229274-A-G.
Identifiers: ClinVar variation 851115 (VCV000851115.13), dbSNP rs201086679, ClinGen allele CA2174300.